The following is an entry in ClinVar:

ClinVar aggregate classification (germline): Likely benign. Review status: criteria provided, multiple submitters, no conflicts (2 of 4 stars). 3 submissions from 3 submitters: Likely benign (2). 1 of the submissions does not count toward it. Last evaluated 2026-01-13.

Conditions:
Immunodeficiency. Identifiers: MedGen C0021051, MONDO:0021094, HP:0002721.
NFAT5-related disorder. Also called: NFAT5-related condition.

Allele frequency attached by ClinVar (database versions not stated): gnomAD 0.00004 and 0.00005; gnomAD exomes 0.00006 and 0.00009; ExAC 0.00007; TOPMed 0.00009.
gnomAD v4.1: 94 of 1,614,206 alleles (0.0058%); highest among the groups gnomAD compares: Non-Finnish European, 0.0075%; no homozygotes.

Submissions (3):

Labcorp Genetics (formerly Invitae), Labcorp
Classification: Likely benign for Immunodeficiency. Last evaluated: 2026-01-13. Review status: criteria provided, single submitter. Criteria: Invitae Variant Classification Sherloc (09022015). Collection method: clinical testing. Allele origin: germline.

CeGaT Center for Human Genetics Tuebingen
Classification: Likely benign. Last evaluated: 2020-02-01. Review status: criteria provided, single submitter. Criteria: CeGaT Center For Human Genetics Tuebingen Variant Classification Criteria Version 2. Collection method: clinical testing. Allele origin: germline. Affected: yes. Observed: 1 variant allele.

PreventionGenetics, part of Exact Sciences
Classification: Likely benign for NFAT5-related condition. Last evaluated: 2020-08-26. Review status: no assertion criteria provided. Collection method: clinical testing. Allele origin: germline. Not counted in ClinVar's aggregate classification.
Comment: This variant is classified as likely benign based on ACMG/AMP sequence variant interpretation guidelines (Richards et al. 2015 PMID: 25741868, with internal and published modifications).

NM_138713.4(NFAT5):c.2892G>A (p.Glu964=)

Gene: NFAT5 (nuclear factor of activated T cells 5; plus strand). Cytogenetic location: 16q22.1.
Variant type: single nucleotide variant.
Coding change: c.2892G>A on transcript NM_138713.4 (MANE Select); coding-DNA position 2892, G replaced by A.
Protein change: p.Glu964=; no amino-acid change (glutamic acid 964 retained).
Molecular consequence: synonymous variant.
Genome position (GRCh38, 1-based): chr16:69,692,717, G>A. VCF-style: chr16-69692717-G-A. GRCh37 (hg19) VCF-style: chr16-69726620-G-A.
Other names: c.2889G>A, p.Glu963= (NM_001113178.3); c.2217G>A, p.Glu739= (NM_001367709.1); c.2838G>A, p.Glu946= (NM_006599.4); c.2610G>A, p.Glu870= (NM_138714.4, NM_173214.3, NM_173215.3).
Identifiers: ClinVar variation 916317 (VCV000916317.48), dbSNP rs201618723, ClinGen allele CA8135817.